The following is an entry in ClinVar:

NM_198239.2(CCN6):c.624del (p.Lys208fs)

Gene: CCN6 (cellular communication network factor 6; plus strand). Cytogenetic location: 6q21.
Variant type: Deletion.
Coding change: c.624del on transcript NM_198239.2 (MANE Select); coding-DNA position 624, one base deleted (A; older notation c.624delA).
Protein change: p.Lys208fs; shifts the reading frame from lysine 208.
Molecular consequence: frameshift variant. On other transcripts: non-coding transcript variant (2).
Genome position (GRCh38, 1-based): chr6:112,068,239, A deleted; the last of 9 consecutive A bases (chr6:112,068,231-112,068,239); deleting any one gives the same sequence. VCF-style (leftmost placement, unchanged base first): chr6-112068230-GA-G. GRCh37 (hg19) VCF-style: chr6-112389433-GA-G.
Other names: c.624del, p.Lys208fs (NM_003880.4); short protein forms K208fs.
Identifiers: ClinVar variation 2734930 (VCV002734930.3), dbSNP rs781790231, ClinGen allele CA3964068.

ClinVar aggregate classification (germline): Pathogenic (1 of 4 stars; one submission).

Submission:

Labcorp Genetics (formerly Invitae), Labcorp
Classification: Pathogenic. Last evaluated: 2023-06-25. Review status: criteria provided, single submitter. Criteria: Invitae Variant Classification Sherloc (09022015). Collection method: clinical testing. Allele origin: germline.
Comment: This sequence change creates a premature translational stop signal (p.Lys208Asnfs*24) in the WISP3 gene. It is expected to result in an absent or disrupted protein product. Loss-of-function variants in WISP3 are known to be pathogenic (PMID: 22791401). The frequency data for this variant in the population databases is considered unreliable, as metrics indicate poor data quality at this position in the gnomAD database. This premature translational stop signal has been observed in individual(s) with WISP3-related conditions (PMID: 25553839). For these reasons, this variant has been classified as Pathogenic.

Literature cited by the submitters: PubMed 22791401; PubMed 25553839.